The following is an entry in ClinVar:

ClinVar aggregate classification (germline): Uncertain significance (1 of 4 stars; one submission).

Conditions:
Platelet abnormalities with eosinophilia and immune-mediated inflammatory disease. Also called: IMMUNODEFICIENCY 71 WITH INFLAMMATORY DISEASE AND CONGENITAL THROMBOCYTOPENIA. Identifiers: MedGen C4540232, MONDO:0060583, OMIM 617718.

Allele frequency attached by ClinVar (database versions not stated): TOPMed 0.00001; gnomAD exomes 0.00002.

Submission:

Baylor Genetics
Classification: Uncertain significance for Platelet abnormalities with eosinophilia and immune-mediated inflammatory disease. Last evaluated: 2019-02-15. Review status: criteria provided, single submitter. Criteria: ACMG Guidelines, 2015. Collection method: clinical testing. Allele origin: paternal. Affected: yes.
Comment: This variant was determined to be of uncertain significance according to ACMG Guidelines, 2015 [PMID:25741868].

NM_005720.4(ARPC1B):c.985G>A (p.Val329Ile)

Gene: ARPC1B (actin related protein 2/3 complex subunit 1B; plus strand). Cytogenetic location: 7q22.1.
Variant type: single nucleotide variant.
Coding change: c.985G>A on transcript NM_005720.4 (MANE Select); coding-DNA position 985, G replaced by A.
Protein change: p.Val329Ile; replaces valine 329 with isoleucine.
Molecular consequence: missense variant.
Genome position (GRCh38, 1-based): chr7:99,392,872, G>A. VCF-style: chr7-99392872-G-A. GRCh37 (hg19) VCF-style: chr7-98990495-G-A.
Other names: short protein forms V329I.
Identifiers: ClinVar variation 1030962 (VCV001030962.1), dbSNP rs1465318842, ClinGen allele CA368329501.